The following is an entry in ClinVar:

NM_001160372.4(TRAPPC9):c.2658G>A (p.Pro886=)

Gene: TRAPPC9 (trafficking protein particle complex subunit 9; minus strand). Cytogenetic location: 8q24.3.
Variant type: single nucleotide variant.
Coding change: c.2658G>A on transcript NM_001160372.4 (MANE Select); coding-DNA position 2658, G replaced by A.
Protein change: p.Pro886=; no amino-acid change (proline 886 retained).
Molecular consequence: synonymous variant. On other transcripts: non-coding transcript variant (1).
Genome position (GRCh38, 1-based): chr8:140,023,978, C>T on the plus strand (G>A on the coding strand, the complement: TRAPPC9 is on the minus strand). VCF-style: chr8-140023978-C-T. GRCh37 (hg19) VCF-style: chr8-141034075-C-T.
Other names: c.2631G>A, p.Pro877= (NM_001321646.2); c.2679G>A, p.Pro893= (NM_001374682.1); c.2658G>A, p.Pro886= (NM_001374683.1, NM_031466.8); c.2514G>A, p.Pro838= (NM_001374684.1).
Identifiers: ClinVar variation 1336037 (VCV001336037.24), dbSNP rs150252117, ClinGen allele CA4893011.

ClinVar aggregate classification (germline): Likely benign. Review status: criteria provided, multiple submitters, no conflicts (2 of 4 stars). 3 submissions from 3 submitters: Likely benign (3). Last evaluated 2026-04-01.

Allele frequency attached by ClinVar (database versions not stated): ExAC 0.00015; ESP Exome Variant Server 0.00015; gnomAD exomes 0.00022 and 0.00023; gnomAD 0.00044 and 0.00045; TOPMed 0.00048.
gnomAD v4.1: 387 of 1,614,082 alleles (0.024%); highest among the groups gnomAD compares: Admixed American, 0.11%; 1 homozygote.

Submissions (3):

CeGaT Center for Human Genetics Tuebingen
Classification: Likely benign. Last evaluated: 2026-04-01. Review status: criteria provided, single submitter. Criteria: CeGaT Center For Human Genetics Tuebingen Variant Classification Criteria Version 2. Collection method: clinical testing. Allele origin: germline. Affected: yes. Observed: 3 variant alleles.
Comment: TRAPPC9: BP4, BP7

Labcorp Genetics (formerly Invitae), Labcorp
Classification: Likely benign. Last evaluated: 2025-09-02. Review status: criteria provided, single submitter. Criteria: Invitae Variant Classification Sherloc (09022015). Collection method: clinical testing. Allele origin: germline.

Genetic Services Laboratory, University of Chicago
Classification: Likely benign. Last evaluated: 2017-09-28. Review status: criteria provided, single submitter. Criteria: ACMG Guidelines, 2015. Collection method: clinical testing. Allele origin: germline. Affected: no.